The following is an entry in ClinVar:

ClinVar aggregate classification (germline): Pathogenic/Likely pathogenic. Review status: criteria provided, multiple submitters, no conflicts (2 of 4 stars). 5 submissions from 5 submitters: Pathogenic (2); Likely pathogenic (3). Last evaluated 2025-08-30.

Conditions:
Neurofibromatosis, type 1 (NF1). Also called: NEUROFIBROMATOSIS, TYPE I, SOMATIC; VON RECKLINGHAUSEN DISEASE; Peripheral type neurofibromatosis; Neurofibromatosis, type I. Identifiers: Orphanet 636, MedGen C0027831, MONDO:0018975, OMIM 162200. Disease mechanism: loss of function.
NF1-related disorder. Also called: NF1-related condition. Identifiers: MedGen CN379171.

Submissions (5):

Labcorp Genetics (formerly Invitae), Labcorp
Classification: Pathogenic for Neurofibromatosis, type 1. Last evaluated: 2025-08-30. Review status: criteria provided, single submitter. Criteria: Invitae Variant Classification Sherloc (09022015). Collection method: clinical testing. Allele origin: germline.
Comment: This sequence change falls in intron 23 of the NF1 gene. It does not directly change the encoded amino acid sequence of the NF1 protein. RNA analysis indicates that this variant induces altered splicing and likely results in a shortened protein product. This variant is not present in population databases (gnomAD no frequency). This variant has been observed in individual(s) with clinical features of neurofibromatosis type 1 (PMID: 12807981). ClinVar contains an entry for this variant (Variation ID: 1488501). Variants that disrupt the consensus splice site are a relatively common cause of aberrant splicing (PMID: 17576681, 9536098). Studies have shown that this variant results in skipping of exon 23 (also known as exon 18) , but is expected to preserve the integrity of the reading-frame (PMID: 12807981; internal data). This variant disrupts a region of the NF1 protein in which other variant(s) (p.Met1035Arg) have been determined to be pathogenic (PMID: 8807336; internal data). This suggests that this is a clinically significant region of the protein, and that variants that disrupt it are likely to be disease-causing. For these reasons, this variant has been classified as Pathogenic.

GeneDx
Classification: Pathogenic. Last evaluated: 2025-07-16. Review status: criteria provided, single submitter. Criteria: GeneDx Variant Classification Process June 2021. Collection method: clinical testing. Allele origin: germline.
Comment: RNA studies demonstrate a damaging effect: loss of the in-frame exon 18 (PMID: 12807981, 18546366); Deletions involving coding exons of this gene are a known mechanism of disease (HGMD); Not observed at significant frequency in large population cohorts (gnomAD); In silico analysis supports a deleterious effect on splicing; Also known as IVS18+5G>C; This variant is associated with the following publications: (PMID: 12807981, 18546366, 17311297, 25486365, 2121369, 17576681)

Division of Human Genetics, National Health Laboratory Service/University of the Witwatersrand
Classification: Likely pathogenic for Neurofibromatosis, type 1. Last evaluated: 2023-07-01. Review status: criteria provided, single submitter. Criteria: ACMG Guidelines, 2015. Collection method: research. Allele origin: germline. Affected: yes.

Blueprint Genetics
Classification: Likely pathogenic for NF1-related disorders. Last evaluated: 2018-02-26. Review status: criteria provided, single submitter. Criteria: ACMG Guidelines, 2015. Collection method: clinical testing. Allele origin: germline. Affected: yes. Observed: 1 variant allele.

Juno Genomics, Hangzhou Juno Genomics, Inc
Classification: Likely pathogenic for Neurofibromatosis, type 1. Review status: criteria provided, single submitter. Criteria: ACMG Guidelines, 2015. Collection method: clinical testing. Allele origin: germline. Affected: yes.
Comment: Absent from controls (or at extremely low frequency if recessive) in Genome Aggregation Database, Exome Sequencing Project, 1000 Genomes Project, or Exome Aggregation Consortium.;Well-established in vitro or in vivo functional studies supportive of a damaging effect on the gene or gene product.;The prevalence of the variant in affected individuals is significantly increased compared to the prevalence in controls.;Patient's phenotype or family history is highly specific for a disease with a single genetic etiology.

Literature cited by the submitters: PubMed 12807981 (cited by Labcorp Genetics (formerly Invitae), Labcorp); PubMed 17576681 (cited by Labcorp Genetics (formerly Invitae), Labcorp); PubMed 9536098 (cited by Labcorp Genetics (formerly Invitae), Labcorp); PubMed 8807336 (cited by Labcorp Genetics (formerly Invitae), Labcorp).

NM_001042492.3(NF1):c.3113+5G>C

Gene: NF1 (neurofibromin 1; plus strand). Cytogenetic location: 17q11.2.
Variant type: single nucleotide variant.
Coding change: c.3113+5G>C on transcript NM_001042492.3 (MANE Select); 5 bases into the intron after coding-DNA position 3113, G replaced by C.
Molecular consequence: intron variant.
Genome position (GRCh38, 1-based): chr17:31,230,387, G>C. VCF-style: chr17-31230387-G-C. GRCh37 (hg19) VCF-style: chr17-29557405-G-C.
Other names: c.3113+5G>C (NM_000267.4).
Identifiers: ClinVar variation 1488501 (VCV001488501.11), dbSNP rs1555614549, ClinGen allele CA658761056.
Genomic context (GRCh38, chr17:31,230,387, plus strand): 5'-GAAGTAATGATGGCAAGGAGAGATGACCTCTCATTTTGCCAAGAGATGAAATTTAGGTGA[G>C]TTCTCAAAAGAGCAATGTAGGGTCTTGTAAATCTTAATATGTCCAATGAAGTACAGAAAA-3'